The following is an entry in ClinVar:

ClinVar aggregate classification (germline): Uncertain significance (1 of 4 stars; one submission).

Conditions:
Early-infantile DEE. Also called: Ohtahara syndrome; Early infantile epileptic encephalopathy; Early infantile epileptic encephalopathy with suppression bursts. Identifiers: Orphanet 1934, MedGen C0393706, MONDO:0800491.

Submission:

Labcorp Genetics (formerly Invitae), Labcorp
Classification: Uncertain significance for Early-infantile DEE. Last evaluated: 2024-08-05. Review status: criteria provided, single submitter. Criteria: Invitae Variant Classification Sherloc (09022015). Collection method: clinical testing. Allele origin: germline.
Comment: This sequence change falls in intron 21 of the SCN1A gene. It does not directly change the encoded amino acid sequence of the SCN1A protein. This variant is not present in population databases (gnomAD no frequency). This variant has not been reported in the literature in individuals affected with SCN1A-related conditions. Algorithms developed to predict the effect of sequence changes on RNA splicing suggest that this variant may disrupt the consensus splice site. In summary, the available evidence is currently insufficient to determine the role of this variant in disease. Therefore, it has been classified as a Variant of Uncertain Significance.

NM_001165963.4(SCN1A):c.4285-13T>G

Genes: SCN1A (sodium voltage-gated channel alpha subunit 1; minus strand), LOC102724058 (uncharacterized LOC102724058; plus strand). Cytogenetic location: 2q24.3.
Variant type: single nucleotide variant.
Coding change: c.4285-13T>G on transcript NM_001165963.4 (MANE Select); 13 bases into the intron before coding-DNA position 4285, T replaced by G.
Molecular consequence: intron variant.
Genome position (GRCh38, 1-based): chr2:165,999,789, A>C on the plus strand (T>G on the coding strand, the complement: SCN1A is on the minus strand). VCF-style: chr2-165999789-A-C. GRCh37 (hg19) VCF-style: chr2-166856299-A-C.
Other names: c.4252-13T>G (NM_001353949.2, NM_001353950.2, NM_001353951.2 and 2 more transcripts); c.4201-13T>G (NM_001353958.2, NM_001353957.2, NM_001165964.3); c.4285-13T>G (NM_001202435.3, NM_001353948.2); c.4249-13T>G (NM_001353955.2, NM_001353954.2); c.4198-13T>G (NM_001353960.2); c.1843-13T>G (NM_001353961.2).
Identifiers: ClinVar variation 3661452 (VCV003661452.2).